The following is an entry in ClinVar:

NM_001376.5(DYNC1H1):c.1793G>T (p.Arg598Leu)

Gene: DYNC1H1 (dynein cytoplasmic 1 heavy chain 1; plus strand). Cytogenetic location: 14q32.31.
Variant type: single nucleotide variant.
Coding change: c.1793G>T on transcript NM_001376.5 (MANE Select); coding-DNA position 1793, G replaced by T.
Protein change: p.Arg598Leu; replaces arginine 598 with leucine.
Molecular consequence: missense variant.
Genome position (GRCh38, 1-based): chr14:101,986,018, G>T. VCF-style: chr14-101986018-G-T. GRCh37 (hg19) VCF-style: chr14-102452355-G-T.
Other names: short protein forms R598L.
Identifiers: ClinVar variation 246081 (VCV000246081.12), dbSNP rs879254085, ClinGen allele CA10584457.

ClinVar aggregate classification (germline): Pathogenic. Review status: criteria provided, multiple submitters, no conflicts (2 of 4 stars). 5 submissions from 5 submitters: Pathogenic (3). 2 of the submissions do not count toward it. Last evaluated 2024-05-31.

Conditions:
Neuronopathy, distal hereditary motor, autosomal dominant. Also called: Autosomal dominant distal hereditary motor neuropathy. Identifiers: Orphanet 140465, MedGen C5548212, MONDO:0015362.
Charcot-Marie-Tooth disease axonal type 2O. Also called: CHARCOT-MARIE-TOOTH NEUROPATHY, AXONAL, TYPE 2O; CHARCOT-MARIE-TOOTH DISEASE, AXONAL, AUTOSOMAL DOMINANT, TYPE 2O; Charcot-Marie-Tooth Neuropathy Type 2O; Charcot-Marie-Tooth disease, axonal, type 20. Identifiers: Orphanet 284232, MedGen C3280220, MONDO:0013644, OMIM 614228.
Autosomal dominant childhood-onset proximal spinal muscular atrophy without contractures. Also called: KUGELBERG-WELANDER SYNDROME, AUTOSOMAL DOMINANT; SPINAL MUSCULAR ATROPHY, JUVENILE, PROXIMAL, AUTOSOMAL DOMINANT; Spinal muscular atrophy, lower extremity-predominant 1, AD; SPINAL MUSCULAR ATROPHY, CHILDHOOD, PROXIMAL, AUTOSOMAL DOMINANT. Identifiers: Orphanet 209341, Orphanet 363447, MedGen C5780022, MONDO:0008026, OMIM 158600.

Submissions (5):

GeneDx
Classification: Pathogenic. Last evaluated: 2024-05-31. Review status: criteria provided, single submitter. Criteria: GeneDx Variant Classification Process June 2021. Collection method: clinical testing. Allele origin: germline. Affected: yes.
Comment: Not observed at significant frequency in large population cohorts (gnomAD); In silico analysis supports that this missense variant has a deleterious effect on protein structure/function; This variant is associated with the following publications: (PMID: 26100331, 25512093, 25484024, 25609763)

3billion
Classification: Pathogenic for Autosomal dominant childhood-onset proximal spinal muscular atrophy without contractures. Last evaluated: 2024-02-26. Review status: criteria provided, single submitter. Criteria: ACMG Guidelines, 2015. Collection method: clinical testing. Allele origin: germline. Affected: yes.
Comment: The variant is not observed in the gnomAD v2.1.1 dataset. Predicted Consequence/Location: Missense changes are a common disease-causing mechanism. In silico tool predictions suggest damaging effect of the variant on gene or gene product [REVEL: 0.86 (>=0.6, sensitivity 0.68 and specificity 0.92); 3Cnet: 0.89 (>=0.6, sensitivity 0.72 and precision 0.9)]. Same nucleotide change resulting in same amino acid change has been previously reported as pathogenic/likely pathogenic with strong evidence (ClinVar ID: VCV000246081 /PMID: 25609763). Different missense changes at the same codon (p.Arg598Cys, p.Arg598His, p.Arg598Pro) have been reported as pathogenic/likely pathogenic with strong evidence (ClinVar ID: VCV000139652, VCV000430529, VCV002506366 /PMID: 25484024 /3billion dataset). Therefore, this variant is classified as Pathogenic according to the recommendation of ACMG/AMP guideline.

Labcorp Genetics (formerly Invitae), Labcorp
Classification: Pathogenic for Charcot-Marie-Tooth disease axonal type 2O. Last evaluated: 2023-02-01. Review status: criteria provided, single submitter. Criteria: Invitae Variant Classification Sherloc (09022015). Collection method: clinical testing. Allele origin: germline.
Comment: This sequence change replaces arginine, which is basic and polar, with leucine, which is neutral and non-polar, at codon 598 of the DYNC1H1 protein (p.Arg598Leu). This variant is not present in population databases (gnomAD no frequency). This missense change has been observed in individuals with spinal muscular atrophy (PMID: 25609763; Invitae). ClinVar contains an entry for this variant (Variation ID: 246081). Advanced modeling of protein sequence and biophysical properties (such as structural, functional, and spatial information, amino acid conservation, physicochemical variation, residue mobility, and thermodynamic stability) performed at Invitae indicates that this missense variant is expected to disrupt DYNC1H1 protein function. This variant disrupts the p.Arg598 amino acid residue in DYNC1H1. Other variant(s) that disrupt this residue have been determined to be pathogenic (PMID: 25484024, 25497877, 25512093, 27549087, 28554554). This suggests that this residue is clinically significant, and that variants that disrupt this residue are likely to be disease-causing. For these reasons, this variant has been classified as Pathogenic.

Inherited Neuropathy Consortium Ii, University Of Miami
Classification: Uncertain significance for Charcot-Marie-Tooth disease axonal type 2O. Last evaluated: 2016-01-06. Review status: no assertion criteria provided. Collection method: literature only. Allele origin: germline. Affected: yes. Not counted in ClinVar's aggregate classification.

Inherited Neuropathy Consortium
Classification: Uncertain significance for Autosomal dominant distal hereditary motor neuropathy. Review status: no assertion criteria provided. Collection method: literature only. Allele origin: germline. Affected: yes. Not counted in ClinVar's aggregate classification.

Literature cited by the submitters: PubMed 25484024 (cited by 3billion and Labcorp Genetics (formerly Invitae), Labcorp); PubMed 25609763 (cited by 4 submitters); PubMed 25497877 (cited by Labcorp Genetics (formerly Invitae), Labcorp); PubMed 25512093 (cited by Labcorp Genetics (formerly Invitae), Labcorp); PubMed 27549087 (cited by Labcorp Genetics (formerly Invitae), Labcorp); PubMed 28554554 (cited by Labcorp Genetics (formerly Invitae), Labcorp).